The following is an entry in ClinVar:

NM_002074.5(GNB1):c.146G>C (p.Arg49Thr)

Gene: GNB1 (G protein subunit beta 1; minus strand). Cytogenetic location: 1p36.33.
Variant type: single nucleotide variant.
Coding change: c.146G>C on transcript NM_002074.5 (MANE Select); coding-DNA position 146, G replaced by C.
Protein change: p.Arg49Thr; replaces arginine 49 with threonine.
Molecular consequence: missense variant. On other transcripts: intron variant (1).
Genome position (GRCh38, 1-based): chr1:1,815,813, C>G on the plus strand (G>C on the coding strand, the complement: GNB1 is on the minus strand). VCF-style: chr1-1815813-C-G. GRCh37 (hg19) VCF-style: chr1-1747252-C-G.
Other names: c.146G>C, p.Arg49Thr (NM_001282539.2); c.-97-9275G>C (NM_001282538.2); short protein forms R49T.
Identifiers: ClinVar variation 1506354 (VCV001506354.8), dbSNP rs2100858866, ClinGen allele CA337919648.

ClinVar aggregate classification (germline): Uncertain significance (1 of 4 stars; one submission).

Submission:

Labcorp Genetics (formerly Invitae), Labcorp
Classification: Uncertain significance. Last evaluated: 2022-03-19. Review status: criteria provided, single submitter. Criteria: Invitae Variant Classification Sherloc (09022015). Collection method: clinical testing. Allele origin: germline.
Comment: In summary, the available evidence is currently insufficient to determine the role of this variant in disease. Therefore, it has been classified as a Variant of Uncertain Significance. This variant is not present in population databases (gnomAD no frequency). This sequence change replaces arginine, which is basic and polar, with threonine, which is neutral and polar, at codon 49 of the GNB1 protein (p.Arg49Thr). This variant has not been reported in the literature in individuals affected with GNB1-related conditions. Algorithms developed to predict the effect of missense changes on protein structure and function are either unavailable or do not agree on the potential impact of this missense change (SIFT: "Tolerated"; PolyPhen-2: "Probably Damaging"; Align-GVGD: "Class C0").